The following is an entry in ClinVar:

NM_021930.6(RINT1):c.2224G>A (p.Gly742Ser)

Genes: EFCAB10 (EF-hand calcium binding domain 10; minus strand), RINT1 (RAD50 interactor 1; plus strand). Cytogenetic location: 7q22.3.
Variant type: single nucleotide variant.
Coding change: c.2224G>A on transcript NM_021930.6 (MANE Select); coding-DNA position 2224, G replaced by A.
Protein change: p.Gly742Ser; replaces glycine 742 with serine.
Molecular consequence: missense variant. On other transcripts: 3 prime UTR variant (2), non-coding transcript variant (1), intron variant (3).
Genome position (GRCh38, 1-based): chr7:105,567,156, G>A. VCF-style: chr7-105567156-G-A. GRCh37 (hg19) VCF-style: chr7-105207603-G-A.
Other names: c.*298C>T (NM_001355527.2, NM_001355529.2); c.1990G>A, p.Gly664Ser (NM_001346599.2); c.1201G>A, p.Gly401Ser (NM_001346600.2, NM_001346603.2); c.1300G>A, p.Gly434Ser (NM_001346601.2); c.360-1709C>T (NM_001355531.2); c.383+311C>T (NM_001355526.2, NM_001355530.2); short protein forms G401S, G434S, G664S, G742S.
Identifiers: ClinVar variation 857895 (VCV000857895.13), dbSNP rs759874948, ClinGen allele CA4426921.
Genomic context (GRCh38, chr7:105,567,156, plus strand): 5'-CCTCCTTTGTTTTCCCTAAACAGTATAAAAGAAGCCTGTATTGTTTTGAATTTGAACGTC[G>A]GTTCTGCACTACTGCTGAAAGATGTACTGCAGTCAGCTTCAGGGCAGCTTCCTGCCACAG-3'
Protein context (NP_068749.3, residues 732-752): EACIVLNLNV[Gly742Ser]SALLLKDVLQ

ClinVar aggregate classification (germline): Uncertain significance. Review status: criteria provided, multiple submitters, no conflicts (2 of 4 stars). 2 submissions from 2 submitters: Uncertain significance (2). Last evaluated 2024-04-24.

Allele frequency attached by ClinVar (database versions not stated): ExAC 0.00001; gnomAD 0.00001; gnomAD exomes 0.00001; TOPMed 0.00001.
gnomAD v4.1: 8 of 1,585,888 alleles (0.0005%); highest among the groups gnomAD compares: Middle Eastern, 0.017%; no homozygotes.

Submissions (2):

Ambry Genetics
Classification: Uncertain significance. Last evaluated: 2024-04-24. Review status: criteria provided, single submitter. Criteria: Ambry Variant Classification Scheme 2023. Collection method: clinical testing. Allele origin: germline.
Comment: The p.G742S variant (also known as c.2224G>A), located in coding exon 15 of the RINT1 gene, results from a G to A substitution at nucleotide position 2224. The glycine at codon 742 is replaced by serine, an amino acid with similar properties. This amino acid position is conserved. In addition, the in silico prediction for this alteration is inconclusive. Since supporting evidence is limited at this time, the clinical significance of this alteration remains unclear.

Labcorp Genetics (formerly Invitae), Labcorp
Classification: Uncertain significance. Last evaluated: 2024-03-15. Review status: criteria provided, single submitter. Criteria: Invitae Variant Classification Sherloc (09022015). Collection method: clinical testing. Allele origin: germline.
Comment: This sequence change replaces glycine, which is neutral and non-polar, with serine, which is neutral and polar, at codon 742 of the RINT1 protein (p.Gly742Ser). This variant is present in population databases (rs759874948, gnomAD 0.007%). This variant has not been reported in the literature in individuals affected with RINT1-related conditions. ClinVar contains an entry for this variant (Variation ID: 857895). An algorithm developed to predict the effect of missense changes on protein structure and function (PolyPhen-2) suggests that this variant is likely to be disruptive. In summary, the available evidence is currently insufficient to determine the role of this variant in disease. Therefore, it has been classified as a Variant of Uncertain Significance.